The following is an entry in ClinVar:

ClinVar aggregate classification (germline): Uncertain significance (1 of 4 stars; one submission).

Conditions:
Chuvash polycythemia. Also called: POLYCYTHEMIA, VHL-DEPENDENT. Identifiers: Orphanet 238557, MedGen C1837915, MONDO:0009892, OMIM 263400.
Von Hippel-Lindau syndrome (VHLS). Also called: von Hippel–Lindau syndrome; VHL syndrome; Von Hippel-Lindau. Identifiers: Orphanet 892, MedGen C0019562, MONDO:0008667, OMIM 193300. Disease mechanism: loss of function.

Submission:

Labcorp Genetics (formerly Invitae), Labcorp
Classification: Uncertain significance for Von Hippel-Lindau syndrome; Chuvash polycythemia. Last evaluated: 2024-04-24. Review status: criteria provided, single submitter. Criteria: Invitae Variant Classification Sherloc (09022015). Collection method: clinical testing. Allele origin: germline.
Comment: This sequence change replaces cysteine, which is neutral and slightly polar, with tyrosine, which is neutral and polar, at codon 77 of the VHL protein (p.Cys77Tyr). This variant is not present in population databases (gnomAD no frequency). This variant has not been reported in the literature in individuals affected with VHL-related conditions. Advanced modeling of protein sequence and biophysical properties (such as structural, functional, and spatial information, amino acid conservation, physicochemical variation, residue mobility, and thermodynamic stability) performed at Invitae indicates that this missense variant is expected to disrupt VHL protein function with a positive predictive value of 95%. In summary, the available evidence is currently insufficient to determine the role of this variant in disease. Therefore, it has been classified as a Variant of Uncertain Significance.

NM_000551.4(VHL):c.230G>A (p.Cys77Tyr)

Gene: VHL (von Hippel-Lindau tumor suppressor; plus strand). Cytogenetic location: 3p25.3.
Variant type: single nucleotide variant.
Coding change: c.230G>A on transcript NM_000551.4 (MANE Select); coding-DNA position 230, G replaced by A.
Protein change: p.Cys77Tyr; replaces cysteine 77 with tyrosine.
Molecular consequence: missense variant. On other transcripts: non-coding transcript variant (1).
Genome position (GRCh38, 1-based): chr3:10,142,077, G>A. VCF-style: chr3-10142077-G-A. GRCh37 (hg19) VCF-style: chr3-10183761-G-A.
Other names: c.230G>A, p.Cys77Tyr (NM_001354723.2, NM_198156.3); short protein forms C77Y.
Identifiers: ClinVar variation 2944986 (VCV002944986.3), dbSNP rs1696131797, ClinGen allele CA351749270.
Genomic context (GRCh38, chr3:10,142,077, plus strand): 5'-GGCGGCCGCGGCCCGTGCTGCGCTCGGTGAACTCGCGCGAGCCCTCCCAGGTCATCTTCT[G>A]CAATCGCAGTCCGCGCGTCGTGCTGCCCGTATGGCTCAACTTCGACGGCGAGCCGCAGCC-3'
Protein context (NP_000542.1, residues 67-87): NSREPSQVIF[Cys77Tyr]NRSPRVVLPV